The following is an entry in ClinVar:

ClinVar aggregate classification (germline): Uncertain significance. Review status: criteria provided, multiple submitters, no conflicts (2 of 4 stars). 2 submissions from 2 submitters: Uncertain significance (2). Last evaluated 2024-08-02.

Conditions:
Hereditary cancer-predisposing syndrome. Also called: Tumor predisposition; Neoplastic Syndromes, Hereditary; Hereditary Cancer Syndrome; Hereditary neoplastic syndrome. Identifiers: Orphanet 140162, MedGen C0027672, MeSH D009386, MONDO:0015356.
Familial cancer of breast. Also called: Hereditary breast cancer; BREAST CANCER, FAMILIAL; hereditary breast carcinoma. Identifiers: Orphanet 227535, MedGen C0346153, MONDO:0016419, OMIM 114480. Disease mechanism: loss of function.

Submissions (2):

Ambry Genetics
Classification: Uncertain significance for Hereditary cancer-predisposing syndrome. Last evaluated: 2024-08-02. Review status: criteria provided, single submitter. Criteria: Ambry Variant Classification Scheme 2023. Collection method: clinical testing. Allele origin: germline.
Comment: The p.K142E variant (also known as c.424A>G), located in coding exon 2 of the CHEK2 gene, results from an A to G substitution at nucleotide position 424. The lysine at codon 142 is replaced by glutamic acid, an amino acid with similar properties. This amino acid position is highly conserved in available vertebrate species. In addition, this alteration is predicted to be deleterious by in silico analysis. Based on the available evidence, the clinical significance of this variant remains unclear.

Labcorp Genetics (formerly Invitae), Labcorp
Classification: Uncertain significance for Familial cancer of breast. Last evaluated: 2021-04-11. Review status: criteria provided, single submitter. Criteria: Invitae Variant Classification Sherloc (09022015). Collection method: clinical testing. Allele origin: germline.
Comment: Algorithms developed to predict the effect of missense changes on protein structure and function are either unavailable or do not agree on the potential impact of this missense change (SIFT: "Deleterious"; PolyPhen-2: "Benign"; Align-GVGD: "Class C15"). This variant has not been reported in the literature in individuals with CHEK2-related conditions. This variant is not present in population databases (ExAC no frequency). This sequence change replaces lysine with glutamic acid at codon 142 of the CHEK2 protein (p.Lys142Glu). The lysine residue is highly conserved and there is a small physicochemical difference between lysine and glutamic acid. In summary, the available evidence is currently insufficient to determine the role of this variant in disease. Therefore, it has been classified as a Variant of Uncertain Significance.

NM_007194.4(CHEK2):c.424A>G (p.Lys142Glu)

Gene: CHEK2 (checkpoint kinase 2; minus strand). Cytogenetic location: 22q12.1.
Variant type: single nucleotide variant.
Coding change: c.424A>G on transcript NM_007194.4 (MANE Select); coding-DNA position 424, A replaced by G.
Protein change: p.Lys142Glu; replaces lysine 142 with glutamic acid.
Molecular consequence: missense variant.
Genome position (GRCh38, 1-based): chr22:28,725,263, T>C on the plus strand (A>G on the coding strand, the complement: CHEK2 is on the minus strand). VCF-style: chr22-28725263-T-C. GRCh37 (hg19) VCF-style: chr22-29121251-T-C.
Other names: c.553A>G, p.Lys185Glu (NM_001005735.3); c.-354A>G (NM_001257387.3); c.424A>G, p.Lys142Glu (NM_001349956.3, NM_145862.3); short protein forms K185E, K142E.
Identifiers: ClinVar variation 1380360 (VCV001380360.10), dbSNP rs2146067261, ClinGen allele CA411107931.